The following is an entry in ClinVar:

NM_198904.4(GABRG2):c.1298G>A (p.Arg433Gln)

Gene: GABRG2 (gamma-aminobutyric acid type A receptor subunit gamma2; plus strand). Cytogenetic location: 5q34.
Variant type: single nucleotide variant.
Coding change: c.1298G>A on transcript NM_198904.4 (MANE Select); coding-DNA position 1298, G replaced by A.
Protein change: p.Arg433Gln; replaces arginine 433 with glutamine.
Molecular consequence: missense variant. On other transcripts: 3 prime UTR variant (1).
Genome position (GRCh38, 1-based): chr5:162,153,238, G>A. VCF-style: chr5-162153238-G-A. GRCh37 (hg19) VCF-style: chr5-161580244-G-A.
Other names: c.1274G>A, p.Arg425Gln (NM_000816.3); c.1289G>A, p.Arg430Gln (NM_001375339.1); c.*132G>A (NM_001375340.1); c.1295G>A, p.Arg432Gln (NM_001375341.1); c.1271G>A, p.Arg424Gln (NM_001375342.1); c.1394G>A, p.Arg465Gln (NM_001375343.1); c.1337G>A, p.Arg446Gln (NM_001375344.1); c.1208G>A, p.Arg403Gln (NM_001375345.1); and 6 more; short protein forms R425Q, R433Q, R473Q, R285Q, R293Q, R330Q, R403Q, R404Q.
Identifiers: ClinVar variation 647806 (VCV000647806.7), dbSNP rs774474550, ClinGen allele CA3544988.

ClinVar aggregate classification (germline): Uncertain significance (1 of 4 stars; one submission).

Conditions:
Febrile seizures, familial, 8 (FEB8). Also called: CONVULSIONS, FAMILIAL FEBRILE, 8. Identifiers: Orphanet 36387, MedGen C1969810, MONDO:0011891, OMIM 607681.
EPILEPSY, CHILDHOOD ABSENCE, SUSCEPTIBILITY TO, 2 (ECA2). Identifiers: Orphanet 64280, MedGen C1843244, OMIM 607681.

Allele frequency attached by ClinVar (database versions not stated): gnomAD exomes below 0.00001 and 0.00001; TOPMed below 0.00001; ExAC 0.00001.
gnomAD v4.1: 6 of 1,614,060 alleles (0.00037%); highest among the groups gnomAD compares: East Asian, 0.0022%; no homozygotes.

Submission:

Labcorp Genetics (formerly Invitae), Labcorp
Classification: Uncertain significance for Febrile seizures, familial, 8; EPILEPSY, CHILDHOOD ABSENCE, SUSCEPTIBILITY TO, 2. Last evaluated: 2023-10-13. Review status: criteria provided, single submitter. Criteria: Invitae Variant Classification Sherloc (09022015). Collection method: clinical testing. Allele origin: germline.
Comment: This sequence change replaces arginine, which is basic and polar, with glutamine, which is neutral and polar, at codon 425 of the GABRG2 protein (p.Arg425Gln). This variant is present in population databases (rs774474550, gnomAD 0.006%). This variant has not been reported in the literature in individuals affected with GABRG2-related conditions. ClinVar contains an entry for this variant (Variation ID: 647806). Advanced modeling of protein sequence and biophysical properties (such as structural, functional, and spatial information, amino acid conservation, physicochemical variation, residue mobility, and thermodynamic stability) has been performed at Invitae for this missense variant, however the output from this modeling did not meet the statistical confidence thresholds required to predict the impact of this variant on GABRG2 protein function. In summary, the available evidence is currently insufficient to determine the role of this variant in disease. Therefore, it has been classified as a Variant of Uncertain Significance.